The following is an entry in ClinVar:

ClinVar aggregate classification (germline): Uncertain significance. Review status: criteria provided, multiple submitters, no conflicts (2 of 4 stars). 3 submissions from 3 submitters: Uncertain significance (3). Last evaluated 2025-11-01.

Conditions:
Cardiovascular phenotype. Identifiers: MedGen CN230736.

Allele frequency attached by ClinVar (database versions not stated): gnomAD exomes 0.00001; TOPMed 0.00002; ExAC 0.00002; gnomAD 0.00002.
gnomAD v4.1: 21 of 1,592,108 alleles (0.0013%); highest among the groups gnomAD compares: South Asian, 0.0045%; no homozygotes.

Submissions (3):

Mayo Clinic Laboratories, Mayo Clinic
Classification: Uncertain significance. Last evaluated: 2025-11-01. Review status: criteria provided, single submitter. Criteria: ACMG Guidelines, 2015. Collection method: clinical testing. Allele origin: germline. Observed: 1 variant allele.
Comment: BP4, PM2_supporting

Ambry Genetics
Classification: Uncertain significance for Cardiovascular phenotype. Last evaluated: 2024-04-02. Review status: criteria provided, single submitter. Criteria: Ambry Variant Classification Scheme 2023. Collection method: clinical testing. Allele origin: germline.
Comment: The p.R1064C variant (also known as c.3190C>T), located in coding exon 7 of the TNXB gene, results from a C to T substitution at nucleotide position 3190. The arginine at codon 1064 is replaced by cysteine, an amino acid with highly dissimilar properties. This amino acid position is not well conserved in available vertebrate species. In addition, this alteration is predicted to be tolerated by in silico analysis. Since supporting evidence is limited at this time, the clinical significance of this alteration remains unclear.

GeneDx
Classification: Uncertain significance. Last evaluated: 2022-07-14. Review status: criteria provided, single submitter. Criteria: GeneDx Variant Classification Process June 2021. Collection method: clinical testing. Allele origin: germline. Affected: yes.
Comment: Not observed at significant frequency in large population cohorts (gnomAD); In silico analysis supports that this missense variant has a deleterious effect on protein structure/function; Has not been previously published as pathogenic or benign to our knowledge

NM_001365276.2(TNXB):c.3190C>T (p.Arg1064Cys)

Gene: TNXB (tenascin XB; minus strand). Cytogenetic location: 6p21.33.
Variant type: single nucleotide variant.
Coding change: c.3190C>T on transcript NM_001365276.2 (MANE Select); coding-DNA position 3190, C replaced by T.
Protein change: p.Arg1064Cys; replaces arginine 1064 with cysteine.
Molecular consequence: missense variant.
Genome position (GRCh38, 1-based): chr6:32,084,668, G>A on the plus strand (C>T on the coding strand, the complement: TNXB is on the minus strand). VCF-style: chr6-32084668-G-A. GRCh37 (hg19) VCF-style: chr6-32052445-G-A.
Other names: p.Arg1064Cys; c.3190C>T, p.Arg1064Cys (NM_019105.8); short protein forms R1064C.
Identifiers: ClinVar variation 1728667 (VCV001728667.5), dbSNP rs771591938, ClinGen allele CA3735228.